The following is an entry in ClinVar:

NM_001005361.3(DNM2):c.266A>G (p.Lys89Arg)

Gene: DNM2 (dynamin 2; plus strand). Cytogenetic location: 19p13.2.
Variant type: single nucleotide variant.
Coding change: c.266A>G on transcript NM_001005361.3 (MANE Select); coding-DNA position 266, A replaced by G.
Protein change: p.Lys89Arg; replaces lysine 89 with arginine.
Molecular consequence: missense variant.
Genome position (GRCh38, 1-based): chr19:10,772,509, A>G. VCF-style: chr19-10772509-A-G. GRCh37 (hg19) VCF-style: chr19-10883185-A-G.
Other names: c.266A>G, p.Lys89Arg (NM_001005360.3, NM_001005362.3, NM_001190716.2 and 1 more transcripts); short protein forms K89R.
Identifiers: ClinVar variation 644774 (VCV000644774.16), dbSNP rs1340636700, ClinGen allele CA404041539.

ClinVar aggregate classification (germline): Uncertain significance. Review status: criteria provided, multiple submitters, no conflicts (2 of 4 stars). 2 submissions from 2 submitters: Uncertain significance (2). Last evaluated 2025-09-20.

Conditions:
Charcot-Marie-Tooth disease dominant intermediate B (CMTDIB). Also called: Charcot-Marie-Tooth disease dominant intermediate 1; CMT DI1; Charcot-Marie-Tooth disease dominant intermediate I; CHARCOT-MARIE-TOOTH NEUROPATHY, DOMINANT INTERMEDIATE B. Identifiers: Orphanet 100044, Orphanet 228179, MedGen C1847902, MONDO:0011674, OMIM 606482.

Allele frequency attached by ClinVar (database versions not stated): gnomAD exomes below 0.00001; gnomAD 0.00001; TOPMed 0.00001.
gnomAD v4.1: 3 of 1,613,988 alleles (0.00019%); highest among the groups gnomAD compares: African/African-American, 0.0013%; no homozygotes.

Submissions (2):

Labcorp Genetics (formerly Invitae), Labcorp
Classification: Uncertain significance for Charcot-Marie-Tooth disease dominant intermediate B. Last evaluated: 2025-09-20. Review status: criteria provided, single submitter. Criteria: Invitae Variant Classification Sherloc (09022015). Collection method: clinical testing. Allele origin: germline.
Comment: This sequence change replaces lysine, which is basic and polar, with arginine, which is basic and polar, at codon 89 of the DNM2 protein (p.Lys89Arg). This variant is present in population databases (no rsID available, gnomAD 0.0009%). This variant has not been reported in the literature in individuals affected with DNM2-related conditions. ClinVar contains an entry for this variant (Variation ID: 644774). Invitae Evidence Modeling of protein sequence and biophysical properties (such as structural, functional, and spatial information, amino acid conservation, physicochemical variation, residue mobility, and thermodynamic stability) indicates that this missense variant is not expected to disrupt DNM2 protein function with a negative predictive value of 95%. In summary, the available evidence is currently insufficient to determine the role of this variant in disease. Therefore, it has been classified as a Variant of Uncertain Significance.

CeGaT Center for Human Genetics Tuebingen
Classification: Uncertain significance. Last evaluated: 2025-07-01. Review status: criteria provided, single submitter. Criteria: CeGaT Center For Human Genetics Tuebingen Variant Classification Criteria Version 2. Collection method: clinical testing. Allele origin: germline. Affected: yes. Observed: 1 variant allele.